The following is an entry in ClinVar:

NM_003579.4(RAD54L):c.149C>A (p.Pro50His)

Gene: RAD54L (RAD54 like; plus strand). Cytogenetic location: 1p34.1.
Variant type: single nucleotide variant.
Coding change: c.149C>A on transcript NM_003579.4 (MANE Select); coding-DNA position 149, C replaced by A.
Protein change: p.Pro50His; replaces proline 50 with histidine.
Molecular consequence: missense variant. On other transcripts: 5 prime UTR variant (1).
Genome position (GRCh38, 1-based): chr1:46,250,058, C>A. VCF-style: chr1-46250058-C-A. GRCh37 (hg19) VCF-style: chr1-46715730-C-A.
Other names: c.149C>A, p.Pro50His (NM_001142548.2); c.-392C>A (NM_001370766.1); short protein forms P50H.
Identifiers: ClinVar variation 3429813 (VCV003429813.1).

ClinVar aggregate classification (germline): Uncertain significance (1 of 4 stars; one submission).

Submission:

Ambry Genetics
Classification: Uncertain significance. Last evaluated: 2024-09-02. Review status: criteria provided, single submitter. Criteria: Ambry Variant Classification Scheme 2023. Collection method: clinical testing. Allele origin: germline.
Comment: The p.P50H variant (also known as c.149C>A), located in coding exon 3 of the RAD54L gene, results from a C to A substitution at nucleotide position 149. The proline at codon 50 is replaced by histidine, an amino acid with similar properties. This amino acid position is conserved. In addition, the in silico prediction for this alteration is inconclusive. Based on the available evidence, the clinical significance of this variant remains unclear.